The following is an entry in ClinVar:

ClinVar aggregate classification (germline): Uncertain significance (0 of 4 stars; one submission).

Conditions:
UGT1A1-related disorder. Also called: UGT1A1-related condition; UGT1A1-related disorders.

Allele frequency attached by ClinVar (database versions not stated): gnomAD exomes below 0.00001; gnomAD 0.00001; TOPMed 0.00001; ExAC 0.00002; 1000 Genomes Project 30x 0.00016; 1000 Genomes Project 0.00020.
gnomAD v4.1: 8 of 1,614,222 alleles (0.0005%); highest among the groups gnomAD compares: African/African-American, 0.011%; no homozygotes.

Submission:

PreventionGenetics, part of Exact Sciences
Classification: Uncertain significance for UGT1A1-related condition. Last evaluated: 2024-02-22. Review status: no assertion criteria provided. Collection method: clinical testing. Allele origin: germline.
Comment: The UGT1A1 c.125G>A variant is predicted to result in the amino acid substitution p.Ser42Asn. To our knowledge, this variant has not been reported in the literature. This variant is reported in 0.018% of alleles in individuals of African descent in gnomAD. At this time, the clinical significance of this variant is uncertain due to the absence of conclusive functional and genetic evidence.

NM_000463.3(UGT1A1):c.125G>A (p.Ser42Asn)

Genes: UGT1A3 (UDP glucuronosyltransferase family 1 member A3; plus strand), UGT1A4 (UDP glucuronosyltransferase family 1 member A4; plus strand), UGT1A5 (UDP glucuronosyltransferase family 1 member A5; plus strand), UGT1A (UDP glucuronosyltransferase family 1 member A complex locus; plus strand), UGT1A1 (UDP glucuronosyltransferase family 1 member A1; plus strand) and 5 more. Cytogenetic location: 2q37.1.
Variant type: single nucleotide variant.
Coding change: c.125G>A on transcript NM_000463.3 (MANE Select); coding-DNA position 125, G replaced by A.
Protein change: p.Ser42Asn; replaces serine 42 with asparagine.
Molecular consequence: missense variant. On other transcripts: intron variant (9).
Genome position (GRCh38, 1-based): chr2:233,760,412, G>A. VCF-style: chr2-233760412-G-A. GRCh37 (hg19) VCF-style: chr2-234669058-G-A.
Other names: c.856-6622G>A (NM_019076.5, NM_019075.4, NM_021027.3 and 1 more transcripts); c.61-6622G>A (NM_205862.3); c.862-6622G>A (NM_001072.4); c.868-6622G>A (NM_019078.2, NM_007120.3, NM_019093.4); short protein forms S42N.
Identifiers: ClinVar variation 3040289 (VCV003040289.2), dbSNP rs533404227, ClinGen allele CA2179778.